The following is an entry in ClinVar:

ClinVar aggregate classification (germline): Pathogenic (1 of 4 stars; one submission).

Submission:

Labcorp Genetics (formerly Invitae), Labcorp
Classification: Pathogenic. Last evaluated: 2024-03-27. Review status: criteria provided, single submitter. Criteria: Invitae Variant Classification Sherloc (09022015). Collection method: clinical testing. Allele origin: germline.
Comment: This sequence change creates a premature translational stop signal (p.Ser534Phefs*2) in the DNM1L gene. It is expected to result in an absent or disrupted protein product. Loss-of-function variants in DNM1L are known to be pathogenic (PMID: 26825290, 27328748). This variant is not present in population databases (gnomAD no frequency). This variant has not been reported in the literature in individuals affected with DNM1L-related conditions. For these reasons, this variant has been classified as Pathogenic.

Literature cited by the submitters: PubMed 26825290; PubMed 27328748.

NM_012062.5(DNM1L):c.1598dup (p.Ser534fs)

Gene: DNM1L (dynamin 1 like; plus strand). Cytogenetic location: 12p11.21.
Variant type: Duplication.
Coding change: c.1598dup on transcript NM_012062.5 (MANE Select); coding-DNA position 1598, one base duplicated (C; older notation c.1598dupC).
Protein change: p.Ser534fs; shifts the reading frame from serine 534.
Molecular consequence: frameshift variant. On other transcripts: intron variant (3).
Genome position (GRCh38, 1-based): chr12:32,737,866, C duplicated. VCF-style (leftmost placement, unchanged base first): chr12-32737865-T-TC. GRCh37 (hg19) VCF-style: chr12-32890799-T-TC.
Other names: c.1596+705dup (NM_005690.5); c.1598dup, p.Ser534fs (NM_001278463.2); c.1637dup, p.Ser547fs (NM_001278464.2, NM_001278465.2); c.989dup, p.Ser331fs (NM_001278466.2); c.1635+705dup (NM_001330380.2); c.1597-398dup (NM_012063.4); short protein forms S547fs, S331fs, S534fs.
Identifiers: ClinVar variation 3647817 (VCV003647817.2).
Genomic context (GRCh38, chr12:32,737,865, plus strand): 5'-GTTCCTGAATGCATTTTTGCATCCTTGATTTTTTTTCCCCCCTGGATTTTTTGCCTTTAG[T>TC]CTTCTAAAGTTCCAAGTGCTTTGGCACCTGCCTCCCAGGAGCCCTCCCCCGCTGCTTCTG-3'